The following is an entry in ClinVar:

NM_183357.3(ADCY5):c.3260T>C (p.Leu1087Pro)

Gene: ADCY5 (adenylate cyclase 5; minus strand). Cytogenetic location: 3q21.1.
Variant type: single nucleotide variant.
Coding change: c.3260T>C on transcript NM_183357.3 (MANE Select); coding-DNA position 3260, T replaced by C.
Protein change: p.Leu1087Pro; replaces leucine 1087 with proline.
Molecular consequence: missense variant.
Genome position (GRCh38, 1-based): chr3:123,291,180, A>G on the plus strand (T>C on the coding strand, the complement: ADCY5 is on the minus strand). VCF-style: chr3-123291180-A-G. GRCh37 (hg19) VCF-style: chr3-123010027-A-G.
Other names: c.2210T>C, p.Leu737Pro (NM_001199642.1); c.3335T>C, p.Leu1112Pro (NM_001378259.1); short protein forms L1087P, L1112P, L737P.
Identifiers: ClinVar variation 3360125 (VCV003360125.1).

ClinVar aggregate classification (germline): Uncertain significance (1 of 4 stars; one submission).

Submission:

GeneDx
Classification: Uncertain significance. Last evaluated: 2023-06-20. Review status: criteria provided, single submitter. Criteria: GeneDx Variant Classification Process June 2021. Collection method: clinical testing. Allele origin: germline. Affected: yes.
Comment: Not observed at significant frequency in large population cohorts (gnomAD); In silico analysis supports that this missense variant has a deleterious effect on protein structure/function; Has not been previously published as pathogenic or benign to our knowledge